The following is an entry in ClinVar:

NM_004004.6(GJB2):c.516G>A (p.Trp172Ter)

Gene: GJB2 (gap junction protein beta 2; minus strand). Cytogenetic location: 13q12.11.
Variant type: single nucleotide variant.
Coding change: c.516G>A on transcript NM_004004.6 (MANE Select); coding-DNA position 516, G replaced by A.
Protein change: p.Trp172Ter; replaces tryptophan 172 with a stop codon.
Molecular consequence: nonsense.
Genome position (GRCh38, 1-based): chr13:20,189,066, C>T on the plus strand (G>A on the coding strand, the complement: GJB2 is on the minus strand). VCF-style: chr13-20189066-C-T. GRCh37 (hg19) VCF-style: chr13-20763205-C-T.
Other names: short protein forms W172*.
Identifiers: ClinVar variation 959818 (VCV000959818.10), dbSNP rs1302739538, ClinGen allele CA387460991.

ClinVar aggregate classification (germline): Pathogenic/Likely pathogenic. Review status: criteria provided, multiple submitters, no conflicts (2 of 4 stars). 4 submissions from 4 submitters: Pathogenic (3); Likely pathogenic (1). Last evaluated 2026-01-12.

Conditions:
Autosomal recessive nonsyndromic hearing loss 1A (DFNB1A). Also called: Nonsyndromic Hearing Loss and Deafness, DFNB1; GJB2-Related Autosomal Recessive Nonsyndromic Hearing Loss; GJB6-Related DFNB 1 Nonsyndromic Hearing Loss and Deafness; Deafness, autosomal recessive 1A; Connexin 26 deafness; Deafness nonsyndromic, Connexin 26 linked. Identifiers: Orphanet 90636, MedGen C2673759, MONDO:0009076, OMIM 220290.
Palmoplantar keratoderma-deafness syndrome. Also called: Keratoderma palmoplantar, with deafness; Palmoplantar keratoderma and sensorineural deafness; Hereditary palmoplantar keratoderma with deafness (subtype); Focal palmoplantar keratoderma with sensorineural deafness (subtype); Diffuse palmoplantar keratoderma with deafness (subtype). Identifiers: Orphanet 2202, MedGen C1835672, MONDO:0007852, OMIM 148350.
Autosomal dominant keratitis-ichthyosis-hearing loss syndrome. Also called: Senter syndrome; KID SYNDROME, AUTOSOMAL DOMINANT; HID SYNDROME. Identifiers: Orphanet 477, MedGen C0265336, MONDO:0007850, OMIM 148210.
Knuckle pads, deafness AND leukonychia syndrome. Also called: Bart-Pumphrey syndrome. Identifiers: Orphanet 2698, MedGen C0266004, MONDO:0007866, OMIM 149200.
Autosomal dominant nonsyndromic hearing loss 3A. Identifiers: Orphanet 90635, MedGen C2675750, MONDO:0011103, OMIM 601544.
Mutilating keratoderma (VOWNKL). Also called: Keratoderma hereditarium mutilans. Identifiers: Orphanet 494, MedGen C0265964, MONDO:0007422, OMIM 124500.
Ichthyosis, hystrix-like, with hearing loss. Also called: Hystrix-like ichthyosis with deafness. Identifiers: Orphanet 477, MedGen C1865234, MONDO:0011245.
Nonsyndromic genetic hearing loss. Also called: Non-syndromic genetic deafness; Nonsyndromic genetic deafness; Nonsyndromic hearing loss and deafness. Identifiers: Orphanet 87884, MedGen C5680182, MONDO:0019497.

Allele frequency attached by ClinVar (database versions not stated): TOPMed 0.00002; gnomAD exomes below 0.00001.
gnomAD v4.1: 2 of 1,614,052 alleles (0.00012%); highest among the groups gnomAD compares: Non-Finnish European, 0.00017%; no homozygotes.

Submissions (4):

Women's Health and Genetics/Laboratory Corporation of America, LabCorp
Classification: Pathogenic for Nonsyndromic genetic hearing loss. Last evaluated: 2026-01-12. Review status: criteria provided, single submitter. Criteria: LabCorp Variant Classification Summary - May 2015. Collection method: clinical testing. Allele origin: germline.
Comment: Variant summary: GJB2 c.516G>A (p.Trp172X) results in a premature termination codon predicted to cause a truncation of the encoded protein. The variant was absent in 251118 control chromosomes (gnomAD). c.516G>A has been observed in multiple compound heterozygous individuals affected with Non-Syndromic Hearing Loss (e.g. Matos_2013, Felix_2017). These data indicate that the variant is likely to be associated with disease. To our knowledge, no experimental evidence demonstrating an impact on protein function has been reported. The following publications have been ascertained in the context of this evaluation (PMID: 23668481, 29773520). ClinVar contains an entry for this variant (Variation ID: 959818). Based on the evidence outlined above, the variant was classified as pathogenic.

Natera, Inc.
Classification: Pathogenic for Autosomal recessive deafness type 1A. Last evaluated: 2025-03-11. Review status: criteria provided, single submitter. Criteria: Natera Variant Classification Schema (03/2026). Collection method: clinical testing. Allele origin: germline.
Comment: The c.516G>A variant in GJB2 is a nonsense variant predicted to introduce a stop codon at amino acid 172. This variant is expected to result in nonsense mediated decay, truncation, or a dysfunctional protein product. This variant is rare in the general population with a frequency below the threshold expected for the associated phenotype(s). This variant has been observed in one or more individuals affected with the associated recessive disease, as either homozygous or compound heterozygous with a second variant (PMID: 23668481, 16380907). Given the available evidence, this variant is classified as Pathogenic.

Fulgent Genetics
Classification: Likely pathogenic for Mutilating keratoderma; Autosomal dominant keratitis-ichthyosis-hearing loss syndrome; Palmoplantar keratoderma-deafness syndrome; Knuckle pads, deafness AND leukonychia syndrome; Autosomal recessive nonsyndromic hearing loss 1A; Autosomal dominant nonsyndromic hearing loss 3A. Last evaluated: 2024-05-16. Review status: criteria provided, single submitter. Criteria: ACMG Guidelines, 2015. Collection method: clinical testing. Allele origin: germline.

Labcorp Genetics (formerly Invitae), Labcorp
Classification: Pathogenic. Last evaluated: 2024-02-23. Review status: criteria provided, single submitter. Criteria: Invitae Variant Classification Sherloc (09022015). Collection method: clinical testing. Allele origin: germline.
Comment: This sequence change creates a premature translational stop signal (p.Trp172*) in the GJB2 gene. While this is not anticipated to result in nonsense mediated decay, it is expected to disrupt the last 55 amino acid(s) of the GJB2 protein. This variant is not present in population databases (gnomAD no frequency). This premature translational stop signal has been observed in individual(s) with autosomal recessive deafness (PMID: 23668481, 26399936, 29773520). In at least one individual the data is consistent with being in trans (on the opposite chromosome) from a pathogenic variant. ClinVar contains an entry for this variant (Variation ID: 959818). For these reasons, this variant has been classified as Pathogenic.

Literature cited by the submitters: PubMed 23668481 (cited by 3 submitters); PubMed 29773520 (cited by Women's Health and Genetics/Laboratory Corporation of America, LabCorp and Labcorp Genetics (formerly Invitae), Labcorp); PubMed 16380907 (cited by Natera, Inc.); PubMed 26399936 (cited by Labcorp Genetics (formerly Invitae), Labcorp).